The following is an entry in ClinVar:

NM_015662.3(IFT172):c.3044A>G (p.Asp1015Gly)

Gene: IFT172 (intraflagellar transport 172; minus strand). Cytogenetic location: 2p23.3.
Variant type: single nucleotide variant.
Coding change: c.3044A>G on transcript NM_015662.3 (MANE Select); coding-DNA position 3044, A replaced by G.
Protein change: p.Asp1015Gly; replaces aspartic acid 1015 with glycine.
Molecular consequence: missense variant.
Genome position (GRCh38, 1-based): chr2:27,457,908, T>C on the plus strand (A>G on the coding strand, the complement: IFT172 is on the minus strand). VCF-style: chr2-27457908-T-C. GRCh37 (hg19) VCF-style: chr2-27680775-T-C.
Other names: short protein forms D1015G.
Identifiers: ClinVar variation 1001182 (VCV001001182.8), dbSNP rs1666295604, ClinGen allele CA346380624.

ClinVar aggregate classification (germline): Uncertain significance (1 of 4 stars; one submission).

Conditions:
Short-rib thoracic dysplasia 10 with or without polydactyly (SRTD10). Identifiers: Orphanet 474, MedGen C3810175, MONDO:0014284, OMIM 615630.
Retinitis pigmentosa 71 (RP71). Identifiers: Orphanet 791, MedGen C4225342, MONDO:0014618, OMIM 616394.

Submission:

Labcorp Genetics (formerly Invitae), Labcorp
Classification: Uncertain significance for Retinitis pigmentosa 71; Short-rib thoracic dysplasia 10 with or without polydactyly. Last evaluated: 2020-06-17. Review status: criteria provided, single submitter. Criteria: Invitae Variant Classification Sherloc (09022015). Collection method: clinical testing. Allele origin: germline.
Comment: This sequence change replaces aspartic acid with glycine at codon 1015 of the IFT172 protein (p.Asp1015Gly). The aspartic acid residue is moderately conserved and there is a moderate physicochemical difference between aspartic acid and glycine. This variant is not present in population databases (ExAC no frequency). This variant has not been reported in the literature in individuals with IFT172-related conditions. Algorithms developed to predict the effect of missense changes on protein structure and function are either unavailable or do not agree on the potential impact of this missense change (SIFT: "Deleterious"; PolyPhen-2: "Benign"; Align-GVGD: "Class C0"). In summary, the available evidence is currently insufficient to determine the role of this variant in disease. Therefore, it has been classified as a Variant of Uncertain Significance.